The following is an entry in ClinVar:

NM_000492.4(CFTR):c.1517T>G (p.Ile506Ser)

Genes: CFTR-AS1 (CFTR antisense RNA 1; minus strand), CFTR (CF transmembrane conductance regulator; plus strand). Cytogenetic location: 7q31.2.
Variant type: single nucleotide variant.
Coding change: c.1517T>G on transcript NM_000492.4 (MANE Select); coding-DNA position 1517, T replaced by G.
Protein change: p.Ile506Ser; replaces isoleucine 506 with serine.
Molecular consequence: missense variant.
Genome position (GRCh38, 1-based): chr7:117,559,588, T>G. VCF-style: chr7-117559588-T-G. GRCh37 (hg19) VCF-style: chr7-117199642-T-G.
Other names: short protein forms I506S.
Identifiers: ClinVar variation 53277 (VCV000053277.4), dbSNP rs397508224, ClinGen allele CA326523.
Genomic context (GRCh38, chr7:117,559,588, plus strand): 5'-GAAGAATTTCATTCTGTTCTCAGTTTTCCTGGATTATGCCTGGCACCATTAAAGAAAATA[T>G]CATCTTTGGTGTTTCCTATGATGAATATAGATACAGAAGCGTCATCAAAGCATGCCAACT-3'
Protein context (NP_000483.3, residues 496-516): WIMPGTIKEN[Ile506Ser]IFGVSYDEYR

ClinVar aggregate classification (germline): Conflicting classifications of pathogenicity. Review status: criteria provided, conflicting classifications (1 of 4 stars). 4 submissions from 4 submitters: Pathogenic (1); Likely pathogenic (1); Uncertain significance (1). 1 of the submissions does not count toward it. Last evaluated 2026-01-27.

Conditions:
CFTR-related disorder (CFTR-RD). Also called: CFTR-related disorders; CFTR-related condition. Identifiers: MedGen C5924204, MONDO:7770004.
Cystic fibrosis (CF). Also called: MUCOVISCIDOSIS. Identifiers: Orphanet 586, MedGen C0010674, MONDO:0009061, OMIM 219700. Disease mechanism: loss of function.

Submissions (4):

Natera, Inc.
Classification: Likely pathogenic for CFTR-related disorders. Last evaluated: 2026-01-27. Review status: criteria provided, single submitter. Criteria: Natera Variant Classification Schema (03/2026). Collection method: clinical testing. Allele origin: germline.
Comment: The c.1517T>G variant in CFTR is a missense variant predicted to cause substitution of isoleucine to serine at amino acid 506. This variant is rare in the general population with a frequency below the threshold expected for the associated phenotype(s). This variant has been observed in one or more individuals affected with the associated recessive disease, as either homozygous or compound heterozygous with a second variant (PMID: 7509683). Additionally, this variant has been observed to segregate in affected family members (PMID: 7509683). Functional studies show that this variant may disrupt protein function (PMID: 38388235). A different variant at the same position has been determined to be Pathogenic or Likely Pathogenic. Computational prediction algorithms indicate this variant is likely to affect gene or protein function. Given the available evidence, this variant is classified as Likely Pathogenic.

Women's Health and Genetics/Laboratory Corporation of America, LabCorp
Classification: Uncertain significance. Last evaluated: 2023-03-27. Review status: criteria provided, single submitter. Criteria: LabCorp Variant Classification Summary - May 2015. Collection method: clinical testing. Allele origin: germline.
Comment: Variant summary: CFTR c.1517T>G (p.Ile506Ser) results in a non-conservative amino acid change located in the ABC transporter-like, ATP-binding domain of the encoded protein sequence. Four of four in-silico tools predict a damaging effect of the variant on protein function. The variant was absent in 251270 control chromosomes. c.1517T>G has been reported in the literature in individuals affected with Cystic Fibrosis. These data indicate that the variant may be associated with disease. To our knowledge, no experimental evidence demonstrating an impact on protein function has been reported. One clinical diagnostic laboratory has submitted clinical-significance assessments for this variant to ClinVar after 2014 without evidence for independent evaluation and classified the variant as pathogenic. In addition, p.I506L and p.I506N have been reported to associate with CF (HGMD, ClinVar). Based on the evidence outlined above, the variant was classified as likely pathogenic.

Institute of Human Genetics, University of Leipzig Medical Center
Classification: Pathogenic for Cystic fibrosis. Last evaluated: 2022-09-05. Review status: criteria provided, single submitter. Criteria: ACMG Guidelines, 2015. Collection method: curation. Allele origin: unknown. Affected: yes. Observed: 4 variant alleles.
Comment: This variant was identified in 4 unrelated patients with a clinically confirmed diagnosis of cystic fibrosis. The variant was classified in the context of a project re-classifying variants in the German Cystic Fibrosis Registry (Muko.e.V.). Criteria applied: PM3_STR, PM1, PM5_STR, PP3, PM2_SUP

ClinVar Staff, National Center for Biotechnology Information (NCBI)
No classification provided. Condition: CFTR-related disorders. Review status: no classification provided. Collection method: literature only. Allele origin: germline. Affected: yes. Not counted in ClinVar's aggregate classification.

Literature cited by the submitters: PubMed 7509683 (cited by 3 submitters); PubMed 38388235 (cited by Natera, Inc.).